The following is an entry in ClinVar:

ClinVar aggregate classification (germline): Conflicting classifications of pathogenicity. Review status: criteria provided, conflicting classifications (1 of 4 stars). 7 submissions from 7 submitters: Uncertain significance (6); Likely benign (1). Last evaluated 2026-03-26.

Conditions:
Breast neoplasm. Also called: Neoplasm of the breast; Neoplasm of breast; Breast tumor; Breast Neoplasms. Identifiers: MedGen C1458155, MeSH D001943, MONDO:0021100, HP:0100013. Disease mechanism: gain of function.
Hereditary cancer-predisposing syndrome. Also called: Tumor predisposition; Neoplastic Syndromes, Hereditary; Hereditary Cancer Syndrome; Hereditary neoplastic syndrome. Identifiers: Orphanet 140162, MedGen C0027672, MeSH D009386, MONDO:0015356.
Hereditary breast ovarian cancer syndrome. Also called: Hereditary breast and ovarian cancer syndrome (HBOC); Hereditary breast and ovarian cancer; Hereditary breast and ovarian cancer syndrome; Hereditary breast and/or ovarian cancer syndrome; Breast and ovarian cancer; BRCA1- and BRCA2-Associated Hereditary Breast and Ovarian Cancer. Identifiers: Orphanet 145, MedGen C0677776, MeSH D061325, MONDO:0003582. Disease mechanism: loss of function.
Breast-ovarian cancer, familial, susceptibility to, 2 (BROVCA2). Also called: BRCA2 Hereditary Breast and Ovarian Cancer. Identifiers: Orphanet 145, MedGen C2675520, MONDO:0012933, OMIM 612555. Disease mechanism: loss of function.

Allele frequency attached by ClinVar (database versions not stated): gnomAD exomes below 0.00001 and 0.00001; ExAC 0.00002.
gnomAD v4.1: 5 of 1,606,786 alleles (0.00031%); highest among the groups gnomAD compares: East Asian, 0.0089%; no homozygotes.

Submissions (7):

Women's Health and Genetics/Laboratory Corporation of America, LabCorp
Classification: Uncertain significance. Last evaluated: 2026-03-26. Review status: criteria provided, single submitter. Criteria: LabCorp Variant Classification Summary - May 2015. Collection method: clinical testing. Allele origin: germline.
Comment: Variant summary: BRCA2 c.5590G>A (p.Asp1864Asn) results in a conservative amino acid change located in the BRCA2 repeat (IPR002093) of the encoded protein sequence. Algorithms developed to predict the effect of missense changes on protein structure and function all suggest that this variant is likely to be tolerated. The variant allele was found at a frequency of 2.2e-05 in 272932 control chromosomes (gnomAD, Dong_2021, Wu_2024). The available data on variant occurrences in the general population are insufficient to allow any conclusion about variant significance. c.5590G>A has been observed in individual(s) affected with esophageal cancer (Zhong_2011), and Breast/Ovarian cancer (Zhong_2016, Cao_2016, Park_2017, So_2019, Dorling_2021, Boga_2023, Agaoglu_2024) without strong evidence for causality. These report(s) do not provide unequivocal conclusions about association of the variant with Hereditary Breast And Ovarian Cancer Syndrome. A multi-factorial analysis of ethnic Koreans by Lee_2018 produced a combined likelihood ratio of 0.023, leading the authors to conclude the variant is "likely benign". To our knowledge, no experimental evidence demonstrating an impact on protein function has been reported. The following publications have been ascertained in the context of this evaluation (PMID: 22126563, 27257965, 26852015, 28111427, 30415210, 30725392, 33471991, 32467295, 37415649, 38566028, 38308423). ClinVar contains an entry for this variant (Variation ID: 141155). Based on the evidence outlined above, the variant was classified as uncertain significance.

Labcorp Genetics (formerly Invitae), Labcorp
Classification: Uncertain significance for Hereditary breast ovarian cancer syndrome. Last evaluated: 2025-11-09. Review status: criteria provided, single submitter. Criteria: Invitae Variant Classification Sherloc (09022015). Collection method: clinical testing. Allele origin: germline.
Comment: This sequence change replaces aspartic acid, which is acidic and polar, with asparagine, which is neutral and polar, at codon 1864 of the BRCA2 protein (p.Asp1864Asn). This variant is present in population databases (rs587781536, gnomAD 0.01%). This missense change has been observed in individual(s) with breast and/or ovarian cancer and in an individual with esophageal squamous cell carcinoma and esophageal squamous cell carcinoma (PMID: 22126563, 26852015, 27257965, 30415210, 30725392, 31161121, 31907386). ClinVar contains an entry for this variant (Variation ID: 141155). Invitae Evidence Modeling of protein sequence and biophysical properties (such as structural, functional, and spatial information, amino acid conservation, physicochemical variation, residue mobility, and thermodynamic stability) indicates that this missense variant is not expected to disrupt BRCA2 protein function with a negative predictive value of 95%. In summary, the available evidence is currently insufficient to determine the role of this variant in disease. Therefore, it has been classified as a Variant of Uncertain Significance.

Color Diagnostics, LLC DBA Color Health
Classification: Uncertain significance for Hereditary cancer-predisposing syndrome. Last evaluated: 2025-08-27. Review status: criteria provided, single submitter. Criteria: ACMG Guidelines, 2015. Collection method: clinical testing. Allele origin: germline.
Comment: This missense variant replaces aspartic acid with asparagine at codon 1864 of the BRCA2 protein. Computational prediction suggests that this variant may not impact protein structure and function. To our knowledge, functional studies have not been reported for this variant. This variant has been reported in multiple individuals affected with breast or ovarian cancer (PMID: 26852015, 27257965, 28111427, 30725392, 31161121, 33078592, 35402282), an individual affected with esophageal cancer (PMID: 22126563), and two individuals affected with colorectal cancer (PMID: 31428572). This variant has been detected in a breast cancer case-control meta-analysis in 3/60466 cases and 2/53461 unaffected individuals (PMID: 33471991Leiden Open Variation Database DB-ID BRCA2_006877). This variant has been identified in 3/246000 chromosomes in the general population by the Genome Aggregation Database (gnomAD). The available evidence is insufficient to determine the role of this variant in disease conclusively. Therefore, this variant is classified as a Variant of Uncertain Significance.

Ambry Genetics
Classification: Uncertain significance for Hereditary cancer-predisposing syndrome. Last evaluated: 2024-08-22. Review status: criteria provided, single submitter. Criteria: Ambry Variant Classification Scheme 2023. Collection method: clinical testing. Allele origin: germline.
Comment: The p.D1864N variant (also known as c.5590G>A), located in coding exon 10 of the BRCA2 gene, results from a G to A substitution at nucleotide position 5590. The aspartic acid at codon 1864 is replaced by asparagine, an amino acid with highly similar properties. This variant was also identified in multiple individuals of Asian descent diagnosed with breast and/or ovarian cancer (Cao WM et al. BMC Cancer. 2016 Feb;16:64; Zhong X et al. PLoS ONE. 2016 Jun;11:e0156789; Kim HN et al. Chonnam Med J, 2019 May;55:99-103; Zhunussova G et al. Front Oncol, 2019 Aug;9:673; Abdel-Razeq H et al. Front Oncol, 2022 Mar;12:673094). This amino acid position is poorly conserved in available vertebrate species. In addition, this alteration is predicted to be tolerated by in silico analysis. Since supporting evidence is limited at this time, the clinical significance of this alteration remains unclear.

University of Washington Department of Laboratory Medicine, University of Washington
Classification: Likely benign for Hereditary cancer-predisposing syndrome. Last evaluated: 2023-03-23. Review status: criteria provided, single submitter. Criteria: Dines et al. (Genet Med. 2020). Collection method: curation. Allele origin: germline.
Comment: Missense variant in a coldspot region where missense variants are very unlikely to be pathogenic (PMID:31911673).

BRCA2 exon 11 coldspot. Reclassification based on statistical prior probability.

Mendelics
Classification: Uncertain significance for Breast-ovarian cancer, familial, susceptibility to, 2. Last evaluated: 2019-05-28. Review status: criteria provided, single submitter. Criteria: Mendelics Assertion Criteria 2017. Collection method: clinical testing. Allele origin: unknown.

Laboratory of Molecular Diagnosis of Cancer, West China Hospital, Sichuan University
Classification: Uncertain significance for Breast neoplasm. Last evaluated: 2015-11-01. Review status: criteria provided, single submitter. Criteria: ACMG Guidelines, 2015. Collection method: research. Allele origin: germline. Affected: yes. Observed: 1 variant allele.

Literature cited by the submitters: PubMed 22126563 (cited by 3 submitters); PubMed 27257965 (cited by 5 submitters); PubMed 26852015 (cited by 4 submitters); PubMed 28111427 (cited by Women's Health and Genetics/Laboratory Corporation of America, LabCorp and Color Diagnostics, LLC DBA Color Health); PubMed 30415210 (cited by Women's Health and Genetics/Laboratory Corporation of America, LabCorp and Labcorp Genetics (formerly Invitae), Labcorp); PubMed 30725392 (cited by 3 submitters); PubMed 33471991 (cited by Women's Health and Genetics/Laboratory Corporation of America, LabCorp and Color Diagnostics, LLC DBA Color Health); PubMed 32467295 (cited by Women's Health and Genetics/Laboratory Corporation of America, LabCorp); PubMed 37415649 (cited by Women's Health and Genetics/Laboratory Corporation of America, LabCorp); PubMed 38566028 (cited by Women's Health and Genetics/Laboratory Corporation of America, LabCorp); PubMed 38308423 (cited by Women's Health and Genetics/Laboratory Corporation of America, LabCorp); PubMed 31161121 (cited by 3 submitters); PubMed 31907386 (cited by Labcorp Genetics (formerly Invitae), Labcorp); PubMed 31428572 (cited by Color Diagnostics, LLC DBA Color Health and Ambry Genetics); PubMed 33078592 (cited by Color Diagnostics, LLC DBA Color Health); PubMed 35402282 (cited by Color Diagnostics, LLC DBA Color Health and Ambry Genetics).

NM_000059.4(BRCA2):c.5590G>A (p.Asp1864Asn)

Gene: BRCA2 (BRCA2 DNA repair associated; plus strand). Cytogenetic location: 13q13.1.
Variant type: single nucleotide variant.
Coding change: c.5590G>A on transcript NM_000059.4 (MANE Select); coding-DNA position 5590, G replaced by A.
Protein change: p.Asp1864Asn; replaces aspartic acid 1864 with asparagine.
Molecular consequence: missense variant.
Genome position (GRCh38, 1-based): chr13:32,339,945, G>A. VCF-style: chr13-32339945-G-A. GRCh37 (hg19) VCF-style: chr13-32914082-G-A.
Other names: short protein forms D1864N.
Identifiers: ClinVar variation 141155 (VCV000141155.24), dbSNP rs587781536, ClinGen allele CA022649.